The following is an entry in ClinVar:

ClinVar aggregate classification (germline): Uncertain significance (1 of 4 stars; one submission).

Conditions:
Cystic fibrosis (CF). Also called: MUCOVISCIDOSIS. Identifiers: Orphanet 586, MedGen C0010674, MONDO:0009061, OMIM 219700. Disease mechanism: loss of function.

Allele frequency attached by ClinVar (database versions not stated): TOPMed below 0.00001; ExAC 0.00001; gnomAD exomes 0.00001.
gnomAD v4.1: 10 of 1,613,844 alleles (0.00062%); highest among the groups gnomAD compares: Non-Finnish European, 0.00085%; no homozygotes.

Submission:

Ambry Genetics
Classification: Uncertain significance for Cystic fibrosis. Last evaluated: 2016-08-19. Review status: criteria provided, single submitter. Criteria: Ambry Variant Classification Scheme 2023. Collection method: clinical testing. Allele origin: germline.
Comment: The p.S678F variant (also known as c.2033C>T), located in coding exon 14 of the CFTR gene, results from a C to T substitution at nucleotide position 2033. The serine at codon 678 is replaced by phenylalanine, an amino acid with highly dissimilar properties. This variant was not reported in population based cohorts in the following databases: Database of Single Nucleotide Polymorphisms (dbSNP), NHLBI Exome Sequencing Project (ESP), and 1000 Genomes Project. In the ESP, this variant was not observed in 6503 samples (13006 alleles) with coverage at this position. This amino acid position is not well conserved in available vertebrate species. In addition, the in silico prediction for this alteration is inconclusive. Since supporting evidence is limited at this time, the clinical significance of this alteration remains unclear.

NM_000492.4(CFTR):c.2033C>T (p.Ser678Phe)

Gene: CFTR (CF transmembrane conductance regulator; plus strand). Cytogenetic location: 7q31.2.
Variant type: single nucleotide variant.
Coding change: c.2033C>T on transcript NM_000492.4 (MANE Select); coding-DNA position 2033, C replaced by T.
Protein change: p.Ser678Phe; replaces serine 678 with phenylalanine.
Molecular consequence: missense variant.
Genome position (GRCh38, 1-based): chr7:117,592,200, C>T. VCF-style: chr7-117592200-C-T. GRCh37 (hg19) VCF-style: chr7-117232254-C-T.
Other names: short protein forms S678F.
Identifiers: ClinVar variation 1784789 (VCV001784789.2), dbSNP rs757333389, ClinGen allele CA4451132.
Genomic context (GRCh38, chr7:117,592,200, plus strand): 5'-GAAATTCAATCCTAACTGAGACCTTACACCGTTTCTCATTAGAAGGAGATGCTCCTGTCT[C>T]CTGGACAGAAACAAAAAAACAATCTTTTAAACAGACTGGAGAGTTTGGGGAAAAAAGGAA-3'
Protein context (NP_000483.3, residues 668-688): RFSLEGDAPV[Ser678Phe]WTETKKQSFK